The following is an entry in ClinVar:

NM_000419.5(ITGA2B):c.1833G>A (p.Met611Ile)

Gene: ITGA2B (integrin subunit alpha 2b; minus strand). Cytogenetic location: 17q21.31.
Variant type: single nucleotide variant.
Coding change: c.1833G>A on transcript NM_000419.5 (MANE Select); coding-DNA position 1833, G replaced by A.
Protein change: p.Met611Ile; replaces methionine 611 with isoleucine.
Molecular consequence: missense variant.
Genome position (GRCh38, 1-based): chr17:44,379,734, C>T on the plus strand (G>A on the coding strand, the complement: ITGA2B is on the minus strand). VCF-style: chr17-44379734-C-T. GRCh37 (hg19) VCF-style: chr17-42457102-C-T.
Other names: c.1833G>A (NM_000419.4); short protein forms M611I.
Identifiers: ClinVar variation 2696649 (VCV002696649.8), dbSNP rs150648605, ClinGen allele CA8602932.
Genomic context (GRCh38, chr17:44,379,734, plus strand): 5'-CCTGCCTGTCCCTACCTGCTCCTGCACATGGGTGTCTCCATGCAGCACGACAGCAGGGGC[C>T]ATTCCAGCCTCCGTGGGCGGTAGGGACACATTGAGGCTGAGCACAATGGGGCTCAGCTTG-3'
Protein context (NP_000410.2, residues 601-621): NVSLPPTEAG[Met611Ile]APAVVLHGDT

ClinVar aggregate classification (germline): Conflicting classifications of pathogenicity. Review status: criteria provided, conflicting classifications (1 of 4 stars). 3 submissions from 3 submitters: Uncertain significance (2); Likely benign (1). Last evaluated 2026-07-02.

Conditions:
ITGA2B-related disorder. Also called: ITGA2B-related disorders; ITGA2B-related condition.
Glanzmann thrombasthenia. Also called: THROMBASTHENIA OF GLANZMANN AND NAEGELI; PLATELET GLYCOPROTEIN IIb-IIIa DEFICIENCY; Thrombasthenia; Glanzmann's thrombasthenia. Identifiers: Orphanet 849, MedGen C0040015, MONDO:0100326.

Allele frequency attached by ClinVar (database versions not stated): ExAC 0.00005; ESP Exome Variant Server 0.00008; TOPMed 0.00011; gnomAD 0.00013; gnomAD exomes 0.00016.

Submissions (3):

PreventionGenetics, part of Exact Sciences
Classification: Uncertain significance for ITGA2B-related condition. Last evaluated: 2026-07-02. Review status: criteria provided, single submitter. Criteria: ACMG Guidelines, 2015. Collection method: clinical testing. Allele origin: germline.
Comment: The ITGA2B c.1833G>A variant is predicted to result in the amino acid substitution p.Met611Ile. To our knowledge, this variant has not been reported in the literature. This variant is reported in 0.012% of alleles in individuals of European (Non-Finnish) descent in gnomAD. At this time, the clinical significance of this variant is uncertain due to the absence of conclusive functional and genetic evidence.

CeGaT Center for Human Genetics Tuebingen
Classification: Likely benign. Last evaluated: 2026-02-01. Review status: criteria provided, single submitter. Criteria: CeGaT Center For Human Genetics Tuebingen Variant Classification Criteria Version 2. Collection method: clinical testing. Allele origin: germline. Affected: yes. Observed: 1 variant allele.
Comment: ITGA2B: BP4

Labcorp Genetics (formerly Invitae), Labcorp
Classification: Uncertain significance for Glanzmann thrombasthenia. Last evaluated: 2025-08-05. Review status: criteria provided, single submitter. Criteria: Invitae Variant Classification Sherloc (09022015). Collection method: clinical testing. Allele origin: germline.
Comment: This sequence change replaces methionine, which is neutral and non-polar, with isoleucine, which is neutral and non-polar, at codon 611 of the ITGA2B protein (p.Met611Ile). This variant is present in population databases (rs150648605, gnomAD 0.01%). This variant has not been reported in the literature in individuals affected with ITGA2B-related conditions. ClinVar contains an entry for this variant (Variation ID: 2696649). An algorithm developed to predict the effect of missense changes on protein structure and function outputs the following: PolyPhen-2: "Benign". The isoleucine amino acid residue is found in multiple mammalian species, which suggests that this missense change does not adversely affect protein function. In summary, the available evidence is currently insufficient to determine the role of this variant in disease. Therefore, it has been classified as a Variant of Uncertain Significance.